The following is an entry in ClinVar:

NM_032043.3(BRIP1):c.2732T>C (p.Val911Ala)

Gene: BRIP1 (BRCA1 interacting DNA helicase 1; minus strand). Cytogenetic location: 17q23.2.
Variant type: single nucleotide variant.
Coding change: c.2732T>C on transcript NM_032043.3 (MANE Select); coding-DNA position 2732, T replaced by C.
Protein change: p.Val911Ala; replaces valine 911 with alanine.
Molecular consequence: missense variant.
Genome position (GRCh38, 1-based): chr17:61,686,009, A>G on the plus strand (T>C on the coding strand, the complement: BRIP1 is on the minus strand). VCF-style: chr17-61686009-A-G. GRCh37 (hg19) VCF-style: chr17-59763370-A-G.
Other names: short protein forms V911A.
Identifiers: ClinVar variation 2572834 (VCV002572834.2), dbSNP rs2144113358, ClinGen allele CA400481644.

ClinVar aggregate classification (germline): Uncertain significance. Review status: criteria provided, multiple submitters, no conflicts (2 of 4 stars). 2 submissions from 2 submitters: Uncertain significance (2). Last evaluated 2026-07-06.

Conditions:
Hereditary cancer-predisposing syndrome. Also called: Hereditary neoplastic syndrome; Hereditary Cancer Syndrome; Neoplastic Syndromes, Hereditary; Tumor predisposition. Identifiers: Orphanet 140162, MedGen C0027672, MeSH D009386, MONDO:0015356.

Submissions (2):

Ambry Genetics
Classification: Uncertain significance for Hereditary cancer-predisposing syndrome. Last evaluated: 2026-07-06. Review status: criteria provided, single submitter. Criteria: Ambry Variant Classification Scheme 2023. Collection method: clinical testing. Allele origin: germline.
Comment: The p.V911A variant (also known as c.2732T>C), located in coding exon 18 of the BRIP1 gene, results from a T to C substitution at nucleotide position 2732. The valine at codon 911 is replaced by alanine, an amino acid with similar properties. This amino acid position is conserved. In addition, this alteration is predicted to be tolerated by in silico analysis. Based on the available evidence, the clinical significance of this variant remains unclear.

GeneDx
Classification: Uncertain significance. Last evaluated: 2023-01-12. Review status: criteria provided, single submitter. Criteria: GeneDx Variant Classification Process June 2021. Collection method: clinical testing. Allele origin: germline. Affected: yes.
Comment: Not observed at significant frequency in large population cohorts (gnomAD); In silico analysis supports that this missense variant does not alter protein structure/function; Has not been previously published as pathogenic or benign to our knowledge; This variant is associated with the following publications: (PMID: 11301010)